The following is an entry in ClinVar:

NM_020778.5(ALPK3):c.940G>A (p.Ala314Thr)

Gene: ALPK3 (alpha kinase 3; plus strand). Cytogenetic location: 15q25.3.
Variant type: single nucleotide variant.
Coding change: c.940G>A on transcript NM_020778.5 (MANE Select); coding-DNA position 940, G replaced by A.
Protein change: p.Ala314Thr; replaces alanine 314 with threonine.
Molecular consequence: missense variant.
Genome position (GRCh38, 1-based): chr15:84,840,219, G>A. VCF-style: chr15-84840219-G-A. GRCh37 (hg19) VCF-style: chr15-85383450-G-A.
Other names: short protein forms A314T.
Identifiers: ClinVar variation 1202003 (VCV001202003.19), dbSNP rs115287026, ClinGen allele CA7709096.
Genomic context (GRCh38, chr15:84,840,219, plus strand): 5'-ACATACATCTGTGACGCCATGGAGCTGGGGCCTCAGAGAGCCCTCAAAGAGGAGAGTGGG[G>A]CCAAGAAGAAAAAGAAAGATGAGGAATCCAAGCAAGGCCTGCGGAAGCCAGAGTTAGAGA-3'
Protein context (NP_065829.4, residues 304-324): PQRALKEESG[Ala314Thr]KKKKKDEESK

ClinVar aggregate classification (germline): Conflicting classifications of pathogenicity. Review status: criteria provided, conflicting classifications (1 of 4 stars). 8 submissions from 8 submitters: Uncertain significance (1); Likely benign (4). 3 of the submissions do not count toward it. Last evaluated 2026-02-03.

Conditions:
ALPK3-related disorder. Also called: ALPK3-related condition.
Cardiovascular phenotype. Identifiers: MedGen CN230736.

Allele frequency attached by ClinVar (database versions not stated): gnomAD exomes 0.00008 and 0.00029; ExAC 0.00036; 1000 Genomes Project 0.00080; gnomAD 0.00093 and 0.00099; 1000 Genomes Project 30x 0.00109; TOPMed 0.00111; ESP Exome Variant Server 0.00115.
gnomAD v4.1: 265 of 1,613,834 alleles (0.016%); highest among the groups gnomAD compares: African/African-American, 0.28%; no homozygotes.

Submissions (8):

Labcorp Genetics (formerly Invitae), Labcorp
Classification: Likely benign. Last evaluated: 2026-02-03. Review status: criteria provided, single submitter. Criteria: Invitae Variant Classification Sherloc (09022015). Collection method: clinical testing. Allele origin: germline.

Women's Health and Genetics/Laboratory Corporation of America, LabCorp
Classification: Uncertain significance. Last evaluated: 2025-06-03. Review status: criteria provided, single submitter. Criteria: LabCorp Variant Classification Summary - May 2015. Collection method: clinical testing. Allele origin: germline.
Comment: Variant summary: ALPK3 c.940G>A (p.Ala314Thr) results in a non-conservative amino acid change in the encoded protein sequence. Algorithms developed to predict the effect of missense changes on protein structure and function are either unavailable or do not agree on the potential impact of this missense change. The variant allele was found at a frequency of 0.00029 in 250498 control chromosomes. This frequency is not significantly higher than estimated for a pathogenic variant in ALPK3 causing familial hypertrophic cardiomyopathy 27 (0.00029 vs 0.0071), allowing no conclusion about variant significance. c.940G>A has been observed in an individual affected with asymmetric hypertrophic cardiomyopathy, who was also found to carry a pathogenic variant in the MYBPC3 gene (example: Herkert_2020). These report(s) do not provide unequivocal conclusions about association of the ALPK3 variant with familial hypertrophic cardiomyopathy 27. To our knowledge, no experimental evidence demonstrating an impact on protein function has been reported. The following publication has been ascertained in the context of this evaluation (PMID: 32480058). ClinVar contains an entry for this variant (Variation ID: 1202003). Based on the evidence outlined above, the variant was classified as uncertain significance.

Blueprint Genetics
Classification: Likely benign. Last evaluated: 2024-06-27. Review status: criteria provided, single submitter. Criteria: ACMG Guidelines, 2015. Collection method: clinical testing. Allele origin: germline.

GeneDx
Classification: Likely benign. Last evaluated: 2021-05-20. Review status: criteria provided, single submitter. Criteria: GeneDx Variant Classification Process June 2021. Collection method: clinical testing. Allele origin: germline. Affected: yes.
Comment: This variant is associated with the following publications: (PMID: 32480058)

Ambry Genetics
Classification: Likely benign for Cardiovascular phenotype. Last evaluated: 2019-11-12. Review status: criteria provided, single submitter. Criteria: Ambry Variant Classification Scheme 2023. Collection method: clinical testing. Allele origin: germline.

PreventionGenetics, part of Exact Sciences
Classification: Likely benign for ALPK3-related condition. Last evaluated: 2023-06-01. Review status: no assertion criteria provided. Collection method: clinical testing. Allele origin: germline. Not counted in ClinVar's aggregate classification.
Comment: This variant is classified as likely benign based on ACMG/AMP sequence variant interpretation guidelines (Richards et al. 2015 PMID: 25741868, with internal and published modifications).

Clinical Genetics DNA and cytogenetics Diagnostics Lab, Erasmus MC, Erasmus Medical Center
Classification: Likely benign. Review status: no assertion criteria provided. Collection method: clinical testing. Allele origin: germline. Affected: yes. Study: VKGL Data-share Consensus. Not counted in ClinVar's aggregate classification.

Clinical Genetics, Academic Medical Center
Classification: Benign. Review status: no assertion criteria provided. Collection method: clinical testing. Allele origin: germline. Affected: yes. Study: VKGL Data-share Consensus. Not counted in ClinVar's aggregate classification.

Literature cited by the submitters: PubMed 32480058 (cited by Women's Health and Genetics/Laboratory Corporation of America, LabCorp).